The following is an entry in ClinVar:

ClinVar aggregate classification (germline): Uncertain significance (1 of 4 stars; one submission).

Conditions:
Hereditary diffuse gastric adenocarcinoma (HDGC). Also called: DIFFUSE GASTRIC AND LOBULAR BREAST CANCER SYNDROME. Identifiers: Orphanet 26106, MedGen C1708349, MONDO:0007648, OMIM 137215.

Submission:

Labcorp Genetics (formerly Invitae), Labcorp
Classification: Uncertain significance for Hereditary diffuse gastric adenocarcinoma. Last evaluated: 2021-08-28. Review status: criteria provided, single submitter. Criteria: Invitae Variant Classification Sherloc (09022015). Collection method: clinical testing. Allele origin: germline.
Comment: In summary, the available evidence is currently insufficient to determine the role of this variant in disease. Therefore, it has been classified as a Variant of Uncertain Significance. Algorithms developed to predict the effect of missense changes on protein structure and function are either unavailable or do not agree on the potential impact of this missense change (SIFT: "Deleterious"; PolyPhen-2: "Probably Damaging"; Align-GVGD: "Class C15"). This variant has not been reported in the literature in individuals with CDH1-related conditions. This variant is not present in population databases (ExAC no frequency). This sequence change replaces alanine with serine at codon 361 of the CDH1 protein (p.Ala361Ser). The alanine residue is highly conserved and there is a moderate physicochemical difference between alanine and serine.

NM_004360.5(CDH1):c.1081G>T (p.Ala361Ser)

Gene: CDH1 (cadherin 1; plus strand). Cytogenetic location: 16q22.1.
Variant type: single nucleotide variant.
Coding change: c.1081G>T on transcript NM_004360.5 (MANE Select); coding-DNA position 1081, G replaced by T.
Protein change: p.Ala361Ser; replaces alanine 361 with serine.
Molecular consequence: missense variant. On other transcripts: 5 prime UTR variant (2).
Genome position (GRCh38, 1-based): chr16:68,812,207, G>T. VCF-style: chr16-68812207-G-T. GRCh37 (hg19) VCF-style: chr16-68846110-G-T.
Other names: c.1081G>T, p.Ala361Ser (NM_001317184.2); c.-535G>T (NM_001317185.2); c.-739G>T (NM_001317186.2); short protein forms A361S.
Identifiers: ClinVar variation 1481817 (VCV001481817.8), dbSNP rs2152132621, ClinGen allele CA396460069.